The following is an entry in ClinVar:

NM_206933.4(USH2A):c.987_988del (p.Asp329fs)

Gene: USH2A (usherin; minus strand). Cytogenetic location: 1q41.
Variant type: Deletion.
Coding change: c.987_988del on transcript NM_206933.4 (MANE Select); coding-DNA positions 987 to 988, 2 bases deleted (TA; older notation c.987_988delTA).
Protein change: p.Asp329fs; shifts the reading frame from aspartic acid 329.
Molecular consequence: frameshift variant.
Genome position (GRCh38, 1-based): chr1:216,325,460-216,325,461, TA deleted on the plus strand (TA on the coding strand, the reverse complement: USH2A is on the minus strand); deleting any 2 consecutive bases within chr1:216,325,460-216,325,462 gives the same sequence; the c. name uses the placement nearest the transcript's 3' end. VCF-style (leftmost placement, unchanged base first): chr1-216325459-TTA-T. GRCh37 (hg19) VCF-style: chr1-216498801-TTA-T.
Other names: c.987_988del, p.Asp329fs (NM_007123.6); short protein forms D329fs.
Identifiers: ClinVar variation 5014875 (VCV005014875.1).

ClinVar aggregate classification (germline): Pathogenic (1 of 4 stars; one submission).

Conditions:
USH2A-related disorder. Also called: USH2A-related condition; USH2A-related disorders. Identifiers: MedGen CN239332.

Submission:

Myriad Genetics, Inc.
Classification: Pathogenic for USH2A-related disorder. Last evaluated: 2025-08-17. Review status: criteria provided, single submitter. Criteria: Myriad Autosomal Dominant, Autosomal Recessive and X-Linked Classification Criteria (2023). Collection method: clinical testing. Allele origin: unknown.
Comment: NM_206933.2(USH2A):c.987_988delTA(D329Efs*2) is expected to be pathogenic in the context of USH2A-related disorders. This variant is predicted to lead to an abnormal or absent protein product due to the creation of a premature termination codon in USH2A, a gene where loss-of-function variants are known to be pathogenic. Please note: this variant was assessed in the context of healthy population screening.